The following is an entry in ClinVar:

ClinVar aggregate classification (germline): Likely pathogenic (1 of 4 stars; one submission).

Conditions:
Angelman syndrome-like. Identifiers: MedGen CN128785.
Developmental and epileptic encephalopathy, 2 (DEE2). Also called: INFANTILE SPASM SYNDROME, X-LINKED 2; CDKL5 deficiency disorder. Identifiers: Orphanet 1934, Orphanet 3451, Orphanet 505652, MedGen C4750718, MONDO:0010396, OMIM 300672.

Submissions (2):

Labcorp Genetics (formerly Invitae), Labcorp
Classification: Likely pathogenic for Developmental and epileptic encephalopathy, 2; Angelman syndrome-like. Last evaluated: 2025-03-24. Review status: criteria provided, single submitter. Criteria: Invitae Variant Classification Sherloc (09022015). Collection method: clinical testing. Allele origin: germline.
Comment: This sequence change replaces glycine, which is neutral and non-polar, with arginine, which is basic and polar, at codon 213 of the CDKL5 protein (p.Gly213Arg). This variant is not present in population databases (gnomAD no frequency). This missense change has been observed in individual(s) with CDKL5-related conditions (PMID: 27187038, 31313283). ClinVar contains an entry for this variant (Variation ID: 1503150). Invitae Evidence Modeling of protein sequence and biophysical properties (such as structural, functional, and spatial information, amino acid conservation, physicochemical variation, residue mobility, and thermodynamic stability) indicates that this missense variant is expected to disrupt CDKL5 protein function with a positive predictive value of 95%. This variant disrupts the p.Gly213 amino acid residue in CDKL5. Other variant(s) that disrupt this residue have been determined to be pathogenic (PMID: 23934111). This suggests that this residue is clinically significant, and that variants that disrupt this residue are likely to be disease-causing. In summary, the currently available evidence indicates that the variant is pathogenic, but additional data are needed to prove that conclusively. Therefore, this variant has been classified as Likely Pathogenic.

Dr. Peter K. Rogan Lab, Western University
No classification provided (evidence only). Condition: Thyroid cancer, nonmedullary, 1. Review status: no classification provided. Collection method: in vitro. Allele origin: not applicable. Functional consequence: retained intron. Not counted in ClinVar's aggregate classification.

Literature cited by the submitters: PubMed 27187038 (cited by Labcorp Genetics (formerly Invitae), Labcorp); PubMed 31313283 (cited by Labcorp Genetics (formerly Invitae), Labcorp); PubMed 23934111 (cited by Labcorp Genetics (formerly Invitae), Labcorp).

NM_001323289.2(CDKL5):c.637G>A (p.Gly213Arg)

Gene: CDKL5 (cyclin dependent kinase like 5; plus strand). Cytogenetic location: Xp22.13.
Variant type: single nucleotide variant.
Coding change: c.637G>A on transcript NM_001323289.2 (MANE Select); coding-DNA position 637, G replaced by A.
Protein change: p.Gly213Arg; replaces glycine 213 with arginine.
Molecular consequence: missense variant.
Genome position (GRCh38, 1-based): chrX:18,588,036, G>A. VCF-style: chrX-18588036-G-A. GRCh37 (hg19) VCF-style: chrX-18606156-G-A.
Other names: c.637G>A, p.Gly213Arg (NM_001037343.2, NM_003159.3); short protein forms G213R.
Identifiers: ClinVar variation 1503150 (VCV001503150.9), dbSNP rs2147148092, ClinGen allele CA412353368.
Genomic context (GRCh38, chrX:18,588,036, plus strand): 5'-GACATGTGGTCGGTGGGCTGTATTCTTGGGGAGCTTAGCGATGGACAGCCTTTATTTCCT[G>A]GAGAAAGTGAAATTGACCAACTTTTTACTATTCAGAAGGTGCTAGGACCACTTCCATCTG-3'
Protein context (NP_001310218.1, residues 203-223): ELSDGQPLFP[Gly213Arg]ESEIDQLFTI